The following is an entry in ClinVar:

NM_006445.4(PRPF8):c.16C>T (p.Pro6Ser)

Gene: PRPF8 (pre-mRNA processing factor 8; minus strand). Cytogenetic location: 17p13.3.
Variant type: single nucleotide variant.
Coding change: c.16C>T on transcript NM_006445.4 (MANE Select); coding-DNA position 16, C replaced by T.
Protein change: p.Pro6Ser; replaces proline 6 with serine.
Molecular consequence: missense variant.
Genome position (GRCh38, 1-based): chr17:1,684,556, G>A on the plus strand (C>T on the coding strand, the complement: PRPF8 is on the minus strand). VCF-style: chr17-1684556-G-A. GRCh37 (hg19) VCF-style: chr17-1587850-G-A.
Other names: short protein forms P6S.
Identifiers: ClinVar variation 1407845 (VCV001407845.6), dbSNP rs779716922, ClinGen allele CA8272763.

ClinVar aggregate classification (germline): Uncertain significance (1 of 4 stars; one submission).

Allele frequency attached by ClinVar (database versions not stated): ExAC 0.00001; gnomAD exomes 0.00001; TOPMed 0.00001.
gnomAD v4.1: 11 of 1,612,556 alleles (0.00068%); highest among the groups gnomAD compares: Non-Finnish European, 0.00085%; no homozygotes.

Submission:

Labcorp Genetics (formerly Invitae), Labcorp
Classification: Uncertain significance. Last evaluated: 2022-10-05. Review status: criteria provided, single submitter. Criteria: Invitae Variant Classification Sherloc (09022015). Collection method: clinical testing. Allele origin: germline.
Comment: In summary, the available evidence is currently insufficient to determine the role of this variant in disease. Therefore, it has been classified as a Variant of Uncertain Significance. Algorithms developed to predict the effect of missense changes on protein structure and function (SIFT, PolyPhen-2, Align-GVGD) all suggest that this variant is likely to be tolerated. ClinVar contains an entry for this variant (Variation ID: 1407845). This variant has not been reported in the literature in individuals affected with PRPF8-related conditions. This variant is present in population databases (rs779716922, gnomAD 0.002%). This sequence change replaces proline, which is neutral and non-polar, with serine, which is neutral and polar, at codon 6 of the PRPF8 protein (p.Pro6Ser).